The following is an entry in ClinVar:

ClinVar aggregate classification (germline): Uncertain significance (1 of 4 stars; one submission).

Conditions:
Congenital myasthenic syndrome 10. Also called: Myasthenia, limb-girdle, familial. Identifiers: Orphanet 590, MedGen C1850792, MONDO:0009690, OMIM 254300.
Fetal akinesia deformation sequence 1 (FADS1). Also called: Pena-Shokeir syndrome type I; Fetal akinesia sequence. Identifiers: Orphanet 994, MedGen C1276035, MONDO:0100101, OMIM 208150, HP:0001989.

gnomAD v4.1: 3 of 1,610,826 alleles (0.00019%); highest among the groups gnomAD compares: African/African-American, 0.004%; no homozygotes.

Submission:

Labcorp Genetics (formerly Invitae), Labcorp
Classification: Uncertain significance for Congenital myasthenic syndrome 10; Fetal akinesia deformation sequence 1. Last evaluated: 2022-08-03. Review status: criteria provided, single submitter. Criteria: Invitae Variant Classification Sherloc (09022015). Collection method: clinical testing. Allele origin: germline.
Comment: In summary, the available evidence is currently insufficient to determine the role of this variant in disease. Therefore, it has been classified as a Variant of Uncertain Significance. Algorithms developed to predict the effect of missense changes on protein structure and function are either unavailable or do not agree on the potential impact of this missense change (SIFT: "Deleterious"; PolyPhen-2: "Probably Damaging"; Align-GVGD: "Class C0"). This variant has not been reported in the literature in individuals affected with DOK7-related conditions. This variant is present in population databases (no rsID available, gnomAD 0.007%). This sequence change replaces threonine, which is neutral and polar, with arginine, which is basic and polar, at codon 77 of the DOK7 protein (p.Thr77Arg).

NM_173660.5(DOK7):c.230C>G (p.Thr77Arg)

Gene: DOK7 (docking protein 7; plus strand). Cytogenetic location: 4p16.3.
Variant type: single nucleotide variant.
Coding change: c.230C>G on transcript NM_173660.5 (MANE Select); coding-DNA position 230, C replaced by G.
Protein change: p.Thr77Arg; replaces threonine 77 with arginine.
Molecular consequence: missense variant. On other transcripts: intron variant (1).
Genome position (GRCh38, 1-based): chr4:3,473,535, C>G. VCF-style: chr4-3473535-C-G. GRCh37 (hg19) VCF-style: chr4-3475262-C-G.
Other names: c.230C>G, p.Thr77Arg (NM_001164673.2, NM_001301071.2); c.100+9984C>G (NM_001363811.2); short protein forms T77R.
Identifiers: ClinVar variation 2146106 (VCV002146106.3), dbSNP rs940346413, ClinGen allele CA356113449.